The following is an entry in ClinVar:

ClinVar aggregate classification (germline): Uncertain significance. Review status: criteria provided, multiple submitters, no conflicts (2 of 4 stars). 2 submissions from 2 submitters: Uncertain significance (2). Last evaluated 2025-07-07.

Conditions:
Seizures, benign familial infantile, 3 (BFIS3). Also called: CONVULSIONS, BENIGN FAMILIAL INFANTILE, 3; Familial neonatal seizures. Identifiers: Orphanet 140927, Orphanet 306, MedGen C1843140, MONDO:0011904, OMIM 607745.
Developmental and epileptic encephalopathy, 11 (DEE11). Also called: Early infantile epileptic encephalopathy 11. Identifiers: Orphanet 1934, MedGen C3150987, MONDO:0013388, OMIM 613721.

Allele frequency attached by ClinVar (database versions not stated): gnomAD exomes below 0.00001; ExAC 0.00001; TOPMed 0.00001; ESP Exome Variant Server 0.00008.
gnomAD v4.1: 5 of 1,613,878 alleles (0.00031%); highest among the groups gnomAD compares: African/African-American, 0.0053%; no homozygotes.

Submissions (2):

GeneDx
Classification: Uncertain significance. Last evaluated: 2025-07-07. Review status: criteria provided, single submitter. Criteria: GeneDx Variant Classification Process June 2021. Collection method: clinical testing. Allele origin: germline. Affected: yes.
Comment: Not observed at significant frequency in large population cohorts (gnomAD); In silico analysis supports that this missense variant has a deleterious effect on protein structure/function; This substitution is predicted to be within the intracellular loop between the S2 and S3 transmembrane segments of the fourth homologous domain; Reported in a patient with dilated cardiomyopathy (DCM) with conduction disease who also harbored a 3.74kb heterozygous deletion CNV including the CTNNA3 gene (PMID: 26214305); This variant is associated with the following publications: (PMID: 26214305)

Labcorp Genetics (formerly Invitae), Labcorp
Classification: Uncertain significance for Seizures, benign familial infantile, 3; Developmental and epileptic encephalopathy, 11. Last evaluated: 2025-06-01. Review status: criteria provided, single submitter. Criteria: Invitae Variant Classification Sherloc (09022015). Collection method: clinical testing. Allele origin: germline.
Comment: This sequence change replaces isoleucine, which is neutral and non-polar, with threonine, which is neutral and polar, at codon 1583 of the SCN2A protein (p.Ile1583Thr). This variant is present in population databases (rs367566833, gnomAD 0.007%). This variant has not been reported in the literature in individuals affected with SCN2A-related conditions. ClinVar contains an entry for this variant (Variation ID: 391932). Invitae Evidence Modeling of protein sequence and biophysical properties (such as structural, functional, and spatial information, amino acid conservation, physicochemical variation, residue mobility, and thermodynamic stability) has been performed for this missense variant. However, the output from this modeling did not meet the statistical confidence thresholds required to predict the impact of this variant on SCN2A protein function. In summary, the available evidence is currently insufficient to determine the role of this variant in disease. Therefore, it has been classified as a Variant of Uncertain Significance.

NM_001040142.2(SCN2A):c.4748T>C (p.Ile1583Thr)

Gene: SCN2A (sodium voltage-gated channel alpha subunit 2; plus strand). Cytogenetic location: 2q24.3.
Variant type: single nucleotide variant.
Coding change: c.4748T>C on transcript NM_001040142.2 (MANE Select); coding-DNA position 4748, T replaced by C.
Protein change: p.Ile1583Thr; replaces isoleucine 1583 with threonine.
Molecular consequence: missense variant.
Genome position (GRCh38, 1-based): chr2:165,386,942, T>C. VCF-style: chr2-165386942-T-C. GRCh37 (hg19) VCF-style: chr2-166243452-T-C.
Other names: c.4748T>C, p.Ile1583Thr (NM_001040143.2, NM_001371246.1, NM_001371247.1 and 1 more transcripts); short protein forms I1583T.
Identifiers: ClinVar variation 391932 (VCV000391932.6), dbSNP rs367566833, ClinGen allele CA1940316.